The following is an entry in ClinVar:

ClinVar aggregate classification (germline): Uncertain significance (1 of 4 stars; one submission).

Conditions:
Inborn genetic diseases. Identifiers: MedGen C0950123, MeSH D030342.

Submission:

Ambry Genetics
Classification: Uncertain significance for Inborn genetic diseases. Last evaluated: 2026-03-30. Review status: criteria provided, single submitter. Criteria: Ambry Variant Classification Scheme 2023. Collection method: clinical testing. Allele origin: germline.
Comment: The p.S1025R variant (also known as c.3075T>A), located in coding exon 1 of the SAMD9 gene, results from a T to A substitution at nucleotide position 3075. The serine at codon 1025 is replaced by arginine, an amino acid with dissimilar properties. This amino acid position is conserved. In addition, this alteration is predicted to be tolerated by in silico analysis. Based on the available evidence, the clinical significance of this variant remains unclear.

NM_017654.4(SAMD9):c.3075T>A (p.Ser1025Arg)

Gene: SAMD9 (sterile alpha motif domain containing 9; minus strand). Cytogenetic location: 7q21.2.
Variant type: single nucleotide variant.
Coding change: c.3075T>A on transcript NM_017654.4 (MANE Select); coding-DNA position 3075, T replaced by A.
Protein change: p.Ser1025Arg; replaces serine 1025 with arginine.
Molecular consequence: missense variant.
Genome position (GRCh38, 1-based): chr7:93,103,023, A>T on the plus strand (T>A on the coding strand, the complement: SAMD9 is on the minus strand). VCF-style: chr7-93103023-A-T. GRCh37 (hg19) VCF-style: chr7-92732336-A-T.
Other names: c.3075T>A, p.Ser1025Arg (NM_001193307.2); short protein forms S1025R.
Identifiers: ClinVar variation 4863785 (VCV004863785.1).
Genomic context (GRCh38, chr7:93,103,023, plus strand): 5'-ACCTTCATGTTCATCGCGGTGTCTTGTGAGTAGGAGTGTGTGCATATCTTGCAAAAATTT[A>T]CTTTTTCCCATACCAGTATCGAAGAACAAATTCTCAGTTAGCATATCCAACATAATTTGA-3'
Protein context (NP_060124.2, residues 1015-1035): NLFFDTGMGK[Ser1025Arg]KFLQDMHTLL